The following is an entry in ClinVar:

NM_025216.3(WNT10A):c.55_56dup (p.Pro20fs)

Gene: WNT10A (Wnt family member 10A; plus strand). Cytogenetic location: 2q35.
Variant type: Microsatellite.
Coding change: c.55_56dup on transcript NM_025216.3 (MANE Select); coding-DNA positions 55 to 56, 2 bases duplicated (CG; older notation c.55_56dupCG).
Protein change: p.Pro20fs; shifts the reading frame from proline 20.
Molecular consequence: frameshift variant.
Genome position (GRCh38, 1-based): chr2:218,881,050-218,881,051, CG duplicated; duplicating any 2 consecutive bases within chr2:218,881,048-218,881,051 gives the same sequence; the c. name uses the placement nearest the transcript's 3' end. VCF-style (leftmost placement, unchanged base first): chr2-218881047-C-CCG. GRCh37 (hg19) VCF-style: chr2-219745769-C-CCG.
Other names: short protein forms P20fs.
Identifiers: ClinVar variation 1076644 (VCV001076644.7), dbSNP rs2106010718, ClinGen allele CA2580616696.

ClinVar aggregate classification (germline): Pathogenic (1 of 4 stars; one submission).

Conditions:
Odonto-onycho-dermal dysplasia. Identifiers: Orphanet 2721, MedGen C0796093, MONDO:0009773, OMIM 257980.
Tooth agenesis, selective, 4 (STHAG4). Also called: TOOTH AGENESIS, SELECTIVE, 4, WITH OR WITHOUT ECTODERMAL DYSPLASIA; LATERAL INCISORS, ABSENCE OF; LATERAL INCISORS, PEGGED OR MISSING; SUCCEDANEOUS TEETH, AGENESIS OF. Identifiers: Orphanet 99798, MedGen C1835492, MONDO:0007881, OMIM 150400. Disease mechanism: loss of function.

Submission:

Labcorp Genetics (formerly Invitae), Labcorp
Classification: Pathogenic for Tooth agenesis, selective, 4; Odonto-onycho-dermal dysplasia. Last evaluated: 2021-10-31. Review status: criteria provided, single submitter. Criteria: Invitae Variant Classification Sherloc (09022015). Collection method: clinical testing. Allele origin: germline.
Comment: This variant is not present in population databases (gnomAD no frequency). For these reasons, this variant has been classified as Pathogenic. This variant has not been reported in the literature in individuals affected with WNT10A-related conditions. This sequence change creates a premature translational stop signal (p.Pro20Glyfs*44) in the WNT10A gene. It is expected to result in an absent or disrupted protein product. Loss-of-function variants in WNT10A are known to be pathogenic (PMID: 17847007, 22581971, 25629078).

Literature cited by the submitters: PubMed 17847007; PubMed 22581971; PubMed 25629078.